The following is an entry in ClinVar:

ClinVar aggregate classification (germline): Pathogenic/Likely pathogenic. Review status: criteria provided, multiple submitters, no conflicts (2 of 4 stars). 2 submissions from 2 submitters: Pathogenic (1); Likely pathogenic (1). Last evaluated 2024-02-28.

Conditions:
Long chain 3-hydroxyacyl-CoA dehydrogenase deficiency. Also called: LCHAD Deficiency; Deficiency of long-chain 3-hydroxyacyl-coenzyme A dehydrogenase. Identifiers: Orphanet 5, MedGen C3711645, MONDO:0012173, OMIM 609016.
Mitochondrial trifunctional protein deficiency. Identifiers: Orphanet 746, MedGen C1969443, MONDO:0012172.

Submissions (2):

Baylor Genetics
Classification: Likely pathogenic for Long chain 3-hydroxyacyl-CoA dehydrogenase deficiency. Last evaluated: 2024-02-28. Review status: criteria provided, single submitter. Criteria: ACMG Guidelines, 2015. Collection method: clinical testing. Allele origin: unknown.

Labcorp Genetics (formerly Invitae), Labcorp
Classification: Pathogenic for Mitochondrial trifunctional protein deficiency; Long chain 3-hydroxyacyl-CoA dehydrogenase deficiency. Last evaluated: 2023-09-21. Review status: criteria provided, single submitter. Criteria: Invitae Variant Classification Sherloc (09022015). Collection method: clinical testing. Allele origin: germline.
Comment: For these reasons, this variant has been classified as Pathogenic. ClinVar contains an entry for this variant (Variation ID: 2035761). This variant has not been reported in the literature in individuals affected with HADHA-related conditions. This variant is not present in population databases (gnomAD no frequency). This sequence change creates a premature translational stop signal (p.Tyr343*) in the HADHA gene. It is expected to result in an absent or disrupted protein product. Loss-of-function variants in HADHA are known to be pathogenic (PMID: 7738175, 21103935, 21549624, 22459206).

Literature cited by the submitters: PubMed 7738175 (cited by Labcorp Genetics (formerly Invitae), Labcorp); PubMed 21103935 (cited by Labcorp Genetics (formerly Invitae), Labcorp); PubMed 21549624 (cited by Labcorp Genetics (formerly Invitae), Labcorp); PubMed 22459206 (cited by Labcorp Genetics (formerly Invitae), Labcorp).

NM_000182.5(HADHA):c.1029C>A (p.Tyr343Ter)

Gene: HADHA (hydroxyacyl-CoA dehydrogenase trifunctional multienzyme complex subunit alpha; minus strand). Cytogenetic location: 2p23.3.
Variant type: single nucleotide variant.
Coding change: c.1029C>A on transcript NM_000182.5 (MANE Select); coding-DNA position 1029, C replaced by A.
Protein change: p.Tyr343Ter; replaces tyrosine 343 with a stop codon.
Molecular consequence: nonsense.
Genome position (GRCh38, 1-based): chr2:26,209,836, G>T on the plus strand (C>A on the coding strand, the complement: HADHA is on the minus strand). VCF-style: chr2-26209836-G-T. GRCh37 (hg19) VCF-style: chr2-26432705-G-T.
Other names: short protein forms Y343*.
Identifiers: ClinVar variation 2035761 (VCV002035761.5), dbSNP rs779640035, ClinGen allele CA346090904.
Genomic context (GRCh38, chr2:26,209,836, plus strand): 5'-TTACTTAACATCCTTCTGTGGAGCTCCAAATTTATTCTTCTTGCACAGGACCTGACCATG[G>T]TAGAGTCCCATCAAGGCCTTTGATTCTTTGGTCATTACAAGCTCTCCAAATTTCTGAAAA-3'